The following is an entry in ClinVar:

NM_003200.5(TCF3):c.1948C>T (p.Pro650Ser)

Gene: TCF3 (transcription factor 3; minus strand). Cytogenetic location: 19p13.3.
Variant type: single nucleotide variant.
Coding change: c.1948C>T on transcript NM_003200.5 (MANE Select); coding-DNA position 1948, C replaced by T.
Protein change: p.Pro650Ser; replaces proline 650 with serine.
Molecular consequence: missense variant.
Genome position (GRCh38, 1-based): chr19:1,611,724, G>A on the plus strand (C>T on the coding strand, the complement: TCF3 is on the minus strand). VCF-style: chr19-1611724-G-A. GRCh37 (hg19) VCF-style: chr19-1611723-G-A.
Other names: c.1939C>T, p.Pro647Ser (NM_001136139.4, NM_001351779.2); c.1945C>T, p.Pro649Ser (NM_001351778.2); short protein forms P650S, P647S, P649S.
Identifiers: ClinVar variation 1518917 (VCV001518917.6), dbSNP rs7252811, ClinGen allele CA9049499.
Genomic context (GRCh38, chr19:1,611,724, plus strand): 5'-ACAGGGCTGAAAGCGGGTGGCTCGTCCCACGGAGGCATACCTTTCACATGTGCCCGGCGG[G>A]GTTGTGGGCTTCGCTCAGGCCTGGGTGGGGAGCTGAAAGCACCATCTGGGGGTCTCCAAC-3'
Protein context (NP_003191.1, residues 640-654): PHPGLSEAHN[Pro650Ser]AGHM

ClinVar aggregate classification (germline): Uncertain significance (1 of 4 stars; one submission).

gnomAD v4.1: 82 of 1,613,504 alleles (0.0051%); highest among the groups gnomAD compares: Non-Finnish European, 0.0068%; no homozygotes.

Submission:

Labcorp Genetics (formerly Invitae), Labcorp
Classification: Uncertain significance. Last evaluated: 2024-10-20. Review status: criteria provided, single submitter. Criteria: Invitae Variant Classification Sherloc (09022015). Collection method: clinical testing. Allele origin: germline.
Comment: This sequence change replaces proline, which is neutral and non-polar, with serine, which is neutral and polar, at codon 650 of the TCF3 protein (p.Pro650Ser). This variant is present in population databases (rs7252811, gnomAD 0.003%). This variant has not been reported in the literature in individuals affected with TCF3-related conditions. ClinVar contains an entry for this variant (Variation ID: 1518917). Invitae Evidence Modeling of protein sequence and biophysical properties (such as structural, functional, and spatial information, amino acid conservation, physicochemical variation, residue mobility, and thermodynamic stability) indicates that this missense variant is not expected to disrupt TCF3 protein function with a negative predictive value of 80%. In summary, the available evidence is currently insufficient to determine the role of this variant in disease. Therefore, it has been classified as a Variant of Uncertain Significance.